The following is an entry in ClinVar:

NM_001286611.2(REPS1):c.530C>T (p.Thr177Ile)

Gene: REPS1 (RALBP1 associated Eps domain containing 1; minus strand). Cytogenetic location: 6q24.1.
Variant type: single nucleotide variant.
Coding change: c.530C>T on transcript NM_001286611.2 (MANE Select); coding-DNA position 530, C replaced by T.
Protein change: p.Thr177Ile; replaces threonine 177 with isoleucine.
Molecular consequence: missense variant.
Genome position (GRCh38, 1-based): chr6:138,945,317, G>A on the plus strand (C>T on the coding strand, the complement: REPS1 is on the minus strand). VCF-style: chr6-138945317-G-A. GRCh37 (hg19) VCF-style: chr6-139266454-G-A.
Other names: c.530C>T, p.Thr177Ile (NM_001128617.3, NM_001286612.2, NM_031922.5); short protein forms T177I.
Identifiers: ClinVar variation 2163087 (VCV002163087.4), dbSNP rs759111989, ClinGen allele CA4024431.
Genomic context (GRCh38, chr6:138,945,317, plus strand): 5'-GGTCCCGCGAGAGGCCTCTCACTATTCCCACCGCTGGGATGACGGCTGTGCTTCCTCCAT[G>A]TGTGTGGAGAAGTTGGTGGGGATTGCTGTGGTGAAACTACTGGGGATGCAGGTTCCTAGA-3'
Protein context (NP_001273540.1, residues 167-187): PQQSPPTSPH[Thr177Ile]WRKHSRHPSG

ClinVar aggregate classification (germline): Uncertain significance (1 of 4 stars; one submission).

Allele frequency attached by ClinVar (database versions not stated): ExAC 0.00003; gnomAD 0.00003; TOPMed 0.00003; gnomAD exomes 0.00006.
gnomAD v4.1: 94 of 1,612,336 alleles (0.0058%); highest among the groups gnomAD compares: Non-Finnish European, 0.0078%; no homozygotes.

Submission:

Labcorp Genetics (formerly Invitae), Labcorp
Classification: Uncertain significance. Last evaluated: 2024-02-06. Review status: criteria provided, single submitter. Criteria: Invitae Variant Classification Sherloc (09022015). Collection method: clinical testing. Allele origin: germline.
Comment: This sequence change replaces threonine, which is neutral and polar, with isoleucine, which is neutral and non-polar, at codon 177 of the REPS1 protein (p.Thr177Ile). This variant is present in population databases (rs759111989, gnomAD 0.003%). This variant has not been reported in the literature in individuals affected with REPS1-related conditions. ClinVar contains an entry for this variant (Variation ID: 2163087). Advanced modeling of protein sequence and biophysical properties (such as structural, functional, and spatial information, amino acid conservation, physicochemical variation, residue mobility, and thermodynamic stability) performed at Invitae indicates that this missense variant is not expected to disrupt REPS1 protein function with a negative predictive value of 80%. In summary, the available evidence is currently insufficient to determine the role of this variant in disease. Therefore, it has been classified as a Variant of Uncertain Significance.